The following is an entry in ClinVar:

NM_004565.3(PEX14):c.413G>A (p.Gly138Asp)

Gene: PEX14 (peroxisomal biogenesis factor 14; plus strand). Cytogenetic location: 1p36.22.
Variant type: single nucleotide variant.
Coding change: c.413G>A on transcript NM_004565.3 (MANE Select); coding-DNA position 413, G replaced by A.
Protein change: p.Gly138Asp; replaces glycine 138 with aspartic acid.
Molecular consequence: missense variant.
Genome position (GRCh38, 1-based): chr1:10,623,047, G>A. VCF-style: chr1-10623047-G-A. GRCh37 (hg19) VCF-style: chr1-10683104-G-A.
Other names: c.413G>A (NM_004565.2); short protein forms G138D.
Identifiers: ClinVar variation 1347638 (VCV001347638.7), dbSNP rs1641640630, ClinGen allele CA338333222.

ClinVar aggregate classification (germline): Uncertain significance. Review status: criteria provided, multiple submitters, no conflicts (2 of 4 stars). 2 submissions from 2 submitters: Uncertain significance (2). Last evaluated 2025-03-17.

Conditions:
Peroxisome biogenesis disorder, complementation group K (CGK). Identifiers: MedGen C1866257, MONDO:0800365.
Inborn genetic diseases. Identifiers: MedGen C0950123, MeSH D030342.

Allele frequency attached by ClinVar (database versions not stated): gnomAD exomes below 0.00001; gnomAD 0.00001.
gnomAD v4.1: 7 of 1,613,640 alleles (0.00043%); highest among the groups gnomAD compares: South Asian, 0.0011%; no homozygotes.

Submissions (2):

Labcorp Genetics (formerly Invitae), Labcorp
Classification: Uncertain significance for Peroxisome biogenesis disorder, complementation group K. Last evaluated: 2025-03-17. Review status: criteria provided, single submitter. Criteria: Invitae Variant Classification Sherloc (09022015). Collection method: clinical testing. Allele origin: germline.
Comment: This sequence change replaces glycine, which is neutral and non-polar, with aspartic acid, which is acidic and polar, at codon 138 of the PEX14 protein (p.Gly138Asp). This variant is not present in population databases (gnomAD no frequency). This variant has not been reported in the literature in individuals affected with PEX14-related conditions. ClinVar contains an entry for this variant (Variation ID: 1347638). Invitae Evidence Modeling of protein sequence and biophysical properties (such as structural, functional, and spatial information, amino acid conservation, physicochemical variation, residue mobility, and thermodynamic stability) indicates that this missense variant is not expected to disrupt PEX14 protein function with a negative predictive value of 80%. In summary, the available evidence is currently insufficient to determine the role of this variant in disease. Therefore, it has been classified as a Variant of Uncertain Significance.

Ambry Genetics
Classification: Uncertain significance for Inborn genetic diseases. Last evaluated: 2023-02-10. Review status: criteria provided, single submitter. Criteria: Ambry Variant Classification Scheme 2023. Collection method: clinical testing. Allele origin: germline.